The following is an entry in ClinVar:

ClinVar aggregate classification (germline): Uncertain significance. Review status: criteria provided, multiple submitters, no conflicts (2 of 4 stars). 2 submissions from 2 submitters: Uncertain significance (2). Last evaluated 2022-02-19.

Allele frequency attached by ClinVar (database versions not stated): TOPMed 0.00001; gnomAD 0.00005; gnomAD exomes 0.00009.
gnomAD v4.1: 49 of 1,549,594 alleles (0.0032%); highest among the groups gnomAD compares: Non-Finnish European, 0.0023%; no homozygotes.

Submissions (2):

Labcorp Genetics (formerly Invitae), Labcorp
Classification: Uncertain significance. Last evaluated: 2022-02-19. Review status: criteria provided, single submitter. Criteria: Invitae Variant Classification Sherloc (09022015). Collection method: clinical testing. Allele origin: germline.
Comment: This sequence change replaces tyrosine, which is neutral and polar, with phenylalanine, which is neutral and non-polar, at codon 3397 of the ZNF469 protein (p.Tyr3397Phe). This variant is present in population databases (no rsID available, gnomAD 0.06%). This variant has not been reported in the literature in individuals affected with ZNF469-related conditions. ClinVar contains an entry for this variant (Variation ID: 1188600). Algorithms developed to predict the effect of missense changes on protein structure and function are either unavailable or do not agree on the potential impact of this missense change (SIFT: "Deleterious"; PolyPhen-2: "Probably Damaging"; Align-GVGD: "Class C0"). In summary, the available evidence is currently insufficient to determine the role of this variant in disease. Therefore, it has been classified as a Variant of Uncertain Significance.

GeneDx
Classification: Uncertain significance. Last evaluated: 2020-10-23. Review status: criteria provided, single submitter. Criteria: GeneDx Variant Classification Process June 2021. Collection method: clinical testing. Allele origin: germline. Affected: yes.
Comment: In silico analysis supports that this missense variant does not alter protein structure/function; Has not been previously published as pathogenic or benign to our knowledge

NM_001367624.2(ZNF469):c.10274A>T (p.Tyr3425Phe)

Gene: ZNF469 (zinc finger protein 469; plus strand). Cytogenetic location: 16q24.2.
Variant type: single nucleotide variant.
Coding change: c.10274A>T on transcript NM_001367624.2 (MANE Select); coding-DNA position 10274, A replaced by T.
Protein change: p.Tyr3425Phe; replaces tyrosine 3425 with phenylalanine.
Molecular consequence: missense variant.
Genome position (GRCh38, 1-based): chr16:88,437,744, A>T. VCF-style: chr16-88437744-A-T. GRCh37 (hg19) VCF-style: chr16-88504152-A-T.
Other names: NM_001127464.1:c.10190A>T; short protein forms Y3425F.
Identifiers: ClinVar variation 1188600 (VCV001188600.4), dbSNP rs959340526, ClinGen allele CA286386413.
Genomic context (GRCh38, chr16:88,437,744, plus strand): 5'-AGCTCTGCGCCACGGTTATGCGCATCATCAAGAAGTCCTTCGCCTGCAGCTCCTGCAACT[A>T]CACCTTCGCCAAGAAGGAGCAGTTCGACCGCCACATGAACAAGCACCTCAGGGGGGGGCG-3'
Protein context (NP_001354553.1, residues 3415-3435): KKSFACSSCN[Tyr3425Phe]TFAKKEQFDR